The following is an entry in ClinVar:

NM_001190274.2(FBXO11):c.151_152insCGCCCC (p.Gln50_Gln51insProPro)

Genes: FBXO11 (F-box protein 11; minus strand), LOC100506235 (uncharacterized LOC100506235; plus strand). Cytogenetic location: 2p16.3.
Variant type: Microsatellite.
Coding change: c.151_152insCGCCCC on transcript NM_001190274.2 (MANE Select); coding-DNA positions 151 to 152, CGCCCC inserted.
Protein change: p.Gln50_Gln51insProPro.
Molecular consequence: non-coding transcript variant (on NR_187636.1).
Genome position: GRCh38 VCF-style: chr2-47905569-T-TGGGGCG. GRCh37 (hg19) VCF-style: chr2-48132708-T-TGGGGCG.
Identifiers: ClinVar variation 2873663 (VCV002873663.3), dbSNP rs2528153087.

ClinVar aggregate classification (germline): Uncertain significance (1 of 4 stars; one submission).

Submission:

Labcorp Genetics (formerly Invitae), Labcorp
Classification: Uncertain significance. Last evaluated: 2023-07-09. Review status: criteria provided, single submitter. Criteria: Invitae Variant Classification Sherloc (09022015). Collection method: clinical testing. Allele origin: germline.
Comment: This variant, c.151_152insCGCCCC, results in the insertion of 2 amino acid(s) of the FBXO11 protein (p.Gln50_Gln51insProPro), but otherwise preserves the integrity of the reading frame. In summary, the available evidence is currently insufficient to determine the role of this variant in disease. Therefore, it has been classified as a Variant of Uncertain Significance. This variant has not been reported in the literature in individuals affected with FBXO11-related conditions. This variant is not present in population databases (gnomAD no frequency).